The following is an entry in ClinVar:

NM_000807.4(GABRA2):c.1202A>T (p.Glu401Val)

Gene: GABRA2 (gamma-aminobutyric acid type A receptor subunit alpha2; minus strand). Cytogenetic location: 4p12.
Variant type: single nucleotide variant.
Coding change: c.1202A>T on transcript NM_000807.4 (MANE Select); coding-DNA position 1202, A replaced by T.
Protein change: p.Glu401Val; replaces glutamic acid 401 with valine.
Molecular consequence: missense variant.
Genome position (GRCh38, 1-based): chr4:46,250,462, T>A on the plus strand (A>T on the coding strand, the complement: GABRA2 is on the minus strand). VCF-style: chr4-46250462-T-A. GRCh37 (hg19) VCF-style: chr4-46252479-T-A.
Other names: c.1217A>T, p.Glu406Val (NM_001286827.3); c.1382A>T, p.Glu461Val (NM_001330690.2, NM_001377144.1, NM_001377145.1); c.1202A>T, p.Glu401Val (NM_001377146.1, NM_001377147.1, NM_001377148.1 and 4 more transcripts); c.1037A>T, p.Glu346Val (NM_001377152.1, NM_001377153.1, NM_001377154.1); short protein forms E401V, E406V, E346V, E461V.
Identifiers: ClinVar variation 2905703 (VCV002905703.3), dbSNP rs768454880, ClinGen allele CA356802438.

ClinVar aggregate classification (germline): Uncertain significance (1 of 4 stars; one submission).

Submission:

Labcorp Genetics (formerly Invitae), Labcorp
Classification: Uncertain significance. Last evaluated: 2023-09-18. Review status: criteria provided, single submitter. Criteria: Invitae Variant Classification Sherloc (09022015). Collection method: clinical testing. Allele origin: germline.
Comment: This variant is not present in population databases (gnomAD no frequency). This sequence change replaces glutamic acid, which is acidic and polar, with valine, which is neutral and non-polar, at codon 461 of the GABRA2 protein (p.Glu461Val). In summary, the available evidence is currently insufficient to determine the role of this variant in disease. Therefore, it has been classified as a Variant of Uncertain Significance. Experimental studies and prediction algorithms are not available or were not evaluated, and the functional significance of this variant is currently unknown. This variant has not been reported in the literature in individuals affected with GABRA2-related conditions.